The following is an entry in ClinVar:

NM_014727.3(KMT2B):c.2456C>T (p.Pro819Leu)

Gene: KMT2B (lysine methyltransferase 2B; plus strand). Cytogenetic location: 19q13.12.
Variant type: single nucleotide variant.
Coding change: c.2456C>T on transcript NM_014727.3 (MANE Select); coding-DNA position 2456, C replaced by T.
Protein change: p.Pro819Leu; replaces proline 819 with leucine.
Molecular consequence: missense variant.
Genome position (GRCh38, 1-based): chr19:35,721,803, C>T. VCF-style: chr19-35721803-C-T. GRCh37 (hg19) VCF-style: chr19-36212705-C-T.
Other names: c.2456C>T (NM_014727.1); short protein forms P819L.
Identifiers: ClinVar variation 1303539 (VCV001303539.9), dbSNP rs199638121, ClinGen allele CA9384439.
Genomic context (GRCh38, chr19:35,721,803, plus strand): 5'-CCAAAGTGCAGCTATTCAAGATCGATCAGCAGCAGCAGCAGAAGGTGGCAGCTTCCATGC[C>T]GGTGAGTGTGGTCCCTGGGCCCAGCGGCACACCCAGCCATCCAGCCTCCATTCTTTGCAA-3'
Protein context (NP_055542.1, residues 809-829): QQQQKVAASM[Pro819Leu]LSPGGQMEEV

ClinVar aggregate classification (germline): Conflicting classifications of pathogenicity. Review status: criteria provided, conflicting classifications (1 of 4 stars). 4 submissions from 4 submitters: Uncertain significance (3); Likely benign (1). Last evaluated 2025-03-17.

Conditions:
Inborn genetic diseases. Identifiers: MedGen C0950123, MeSH D030342.

Allele frequency attached by ClinVar (database versions not stated): ExAC 0.00007; gnomAD 0.00001 and 0.00002; gnomAD exomes 0.00002; TOPMed 0.00002; 1000 Genomes Project 30x 0.00031; 1000 Genomes Project 0.00020.
gnomAD v4.1: 47 of 1,580,436 alleles (0.003%); highest among the groups gnomAD compares: South Asian, 0.026%; no homozygotes.

Submissions (4):

Labcorp Genetics (formerly Invitae), Labcorp
Classification: Uncertain significance. Last evaluated: 2025-03-17. Review status: criteria provided, single submitter. Criteria: Invitae Variant Classification Sherloc (09022015). Collection method: clinical testing. Allele origin: germline.
Comment: This sequence change replaces proline, which is neutral and non-polar, with leucine, which is neutral and non-polar, at codon 819 of the KMT2B protein (p.Pro819Leu). The frequency data for this variant in the population databases is considered unreliable, as metrics indicate poor data quality at this position in the gnomAD database. This missense change has been observed in individual(s) with intellectual disability (PMID: 25405613). It has also been observed to segregate with disease in related individuals. ClinVar contains an entry for this variant (Variation ID: 1303539). Experimental studies and prediction algorithms are not available or were not evaluated, and the functional significance of this variant is currently unknown. In summary, the available evidence is currently insufficient to determine the role of this variant in disease. Therefore, it has been classified as a Variant of Uncertain Significance.

Laboratory of Genetics, Children's Clinical University Hospital Latvia
Classification: Likely benign. Last evaluated: 2025-02-16. Review status: criteria provided, single submitter. Criteria: ACMG Guidelines, 2015. Collection method: clinical testing. Allele origin: germline. Affected: yes.

GeneDx
Classification: Uncertain significance. Last evaluated: 2023-07-21. Review status: criteria provided, single submitter. Criteria: GeneDx Variant Classification Process June 2021. Collection method: clinical testing. Allele origin: germline. Affected: yes.
Comment: In silico analysis supports that this missense variant has a deleterious effect on protein structure/function; This variant is associated with the following publications: (PMID: 25405613)

Ambry Genetics
Classification: Uncertain significance for Inborn genetic diseases. Last evaluated: 2021-12-01. Review status: criteria provided, single submitter. Criteria: Ambry Variant Classification Scheme 2023. Collection method: clinical testing. Allele origin: germline.

Literature cited by the submitters: PubMed 25405613 (cited by Labcorp Genetics (formerly Invitae), Labcorp and Ambry Genetics).